The following is an entry in ClinVar:

ClinVar aggregate classification (germline): Uncertain significance. Review status: criteria provided, multiple submitters, no conflicts (2 of 4 stars). 4 submissions from 4 submitters: Uncertain significance (3). 1 of the submissions does not count toward it. Last evaluated 2025-08-14.

Conditions:
Nemaline myopathy 2 (NEM2). Also called: Nemaline myopathy 2, autosomal recessive. Identifiers: MedGen C1850569, MONDO:0009725, OMIM 256030.
Inborn genetic diseases. Identifiers: MedGen C0950123, MeSH D030342.

Submissions (4):

Ambry Genetics
Classification: Uncertain significance for Inborn genetic diseases. Last evaluated: 2025-08-14. Review status: criteria provided, single submitter. Criteria: Ambry Variant Classification Scheme 2023. Collection method: clinical testing. Allele origin: germline.

Labcorp Genetics (formerly Invitae), Labcorp
Classification: Uncertain significance for Nemaline myopathy 2. Last evaluated: 2024-10-14. Review status: criteria provided, single submitter. Criteria: Invitae Variant Classification Sherloc (09022015). Collection method: clinical testing. Allele origin: germline.
Comment: This sequence change replaces aspartic acid, which is acidic and polar, with glutamic acid, which is acidic and polar, at codon 671 of the NEB protein (p.Asp671Glu). This variant is not present in population databases (gnomAD no frequency). This variant has not been reported in the literature in individuals affected with NEB-related conditions. ClinVar contains an entry for this variant (Variation ID: 1993119). Experimental studies and prediction algorithms are not available or were not evaluated, and the functional significance of this variant is currently unknown. In summary, the available evidence is currently insufficient to determine the role of this variant in disease. Therefore, it has been classified as a Variant of Uncertain Significance.

Revvity Omics, Revvity
Classification: Uncertain significance. Last evaluated: 2021-06-17. Review status: criteria provided, single submitter. Criteria: ACMG Guidelines, 2015. Collection method: clinical testing. Allele origin: germline.

Natera, Inc.
Classification: Uncertain significance for Nemaline myopathy type 2. Last evaluated: 2025-05-21. Review status: no assertion criteria provided. Collection method: clinical testing. Allele origin: germline. Not counted in ClinVar's aggregate classification.

NM_001164508.2(NEB):c.2013C>G (p.Asp671Glu)

Gene: NEB (nebulin; minus strand). Cytogenetic location: 2q23.3.
Variant type: single nucleotide variant.
Coding change: c.2013C>G on transcript NM_001164508.2 (MANE Select); coding-DNA position 2013, C replaced by G.
Protein change: p.Asp671Glu; replaces aspartic acid 671 with glutamic acid.
Molecular consequence: missense variant.
Genome position (GRCh38, 1-based): chr2:151,692,152, G>C on the plus strand (C>G on the coding strand, the complement: NEB is on the minus strand). VCF-style: chr2-151692152-G-C. GRCh37 (hg19) VCF-style: chr2-152548666-G-C.
Other names: c.2013C>G, p.Asp671Glu (NM_001164507.2, NM_001271208.2, NM_004543.5); c.2013C>G (NM_004543.4); short protein forms D671E.
Identifiers: ClinVar variation 1993119 (VCV001993119.8), dbSNP rs2099556346, ClinGen allele CA348823985.